The following is an entry in ClinVar:

NM_005751.5(AKAP9):c.6006G>T (p.Met2002Ile)

Gene: AKAP9 (A-kinase anchoring protein 9; plus strand). Cytogenetic location: 7q21.2.
Variant type: single nucleotide variant.
Coding change: c.6006G>T on transcript NM_005751.5 (MANE Select); coding-DNA position 6006, G replaced by T.
Protein change: p.Met2002Ile; replaces methionine 2002 with isoleucine.
Molecular consequence: missense variant.
Genome position (GRCh38, 1-based): chr7:92,065,259, G>T. VCF-style: chr7-92065259-G-T. GRCh37 (hg19) VCF-style: chr7-91694573-G-T.
Other names: c.651G>T, p.Met217Ile (NM_001379277.1); c.6006G>T, p.Met2002Ile (NM_147185.3); short protein forms M217I, M2002I.
Identifiers: ClinVar variation 3281623 (VCV003281623.1).
Genomic context (GRCh38, chr7:92,065,259, plus strand): 5'-TTTAATTCAGTATATTTTGTATTAATAAACAGAATTACTACAGGAGACAGAAAAATTAAT[G>T]AAGGAAAAACTAGAAGTACAATGTCAAGCTGAAAAAGTACGTGATGACCTTCAAAAACAA-3'
Protein context (NP_005742.4, residues 1992-2012): QQLLQETEKL[Met2002Ile]KEKLEVQCQA

ClinVar aggregate classification (germline): Uncertain significance (1 of 4 stars; one submission).

Conditions:
Cardiovascular phenotype. Identifiers: MedGen CN230736.

gnomAD v4.1: 2 of 1,611,138 alleles (0.00012%); highest among the groups gnomAD compares: Non-Finnish European, 0.00017%; no homozygotes.

Submission:

Ambry Genetics
Classification: Uncertain significance for Cardiovascular phenotype. Last evaluated: 2024-03-16. Review status: criteria provided, single submitter. Criteria: Ambry Variant Classification Scheme 2023. Collection method: clinical testing. Allele origin: germline.
Comment: The p.M2002I variant (also known as c.6006G>T), located in coding exon 25 of the AKAP9 gene, results from a G to T substitution at nucleotide position 6006. The methionine at codon 2002 is replaced by isoleucine, an amino acid with highly similar properties. This amino acid position is conserved. In addition, this alteration is predicted to be tolerated by in silico analysis. Based on the available evidence, the clinical significance of this alteration remains unclear.